The following is an entry in ClinVar:

NM_024426.6(WT1):c.1379C>T (p.Thr460Ile)

Gene: WT1 (WT1 transcription factor; minus strand). Cytogenetic location: 11p13.
Variant type: single nucleotide variant.
Coding change: c.1379C>T on transcript NM_024426.6 (MANE Select); coding-DNA position 1379, C replaced by T.
Protein change: p.Thr460Ile; replaces threonine 460 with isoleucine.
Molecular consequence: missense variant. On other transcripts: non-coding transcript variant (2), intron variant (2).
Genome position (GRCh38, 1-based): chr11:32,392,040, G>A on the plus strand (C>T on the coding strand, the complement: WT1 is on the minus strand). VCF-style: chr11-32392040-G-A. GRCh37 (hg19) VCF-style: chr11-32413586-G-A.
Other names: c.1364C>T (NM_024426.4); c.1328C>T, p.Thr443Ile (NM_000378.6, NM_001407045.1); c.728C>T, p.Thr243Ile (NM_001198551.2); c.677C>T, p.Thr226Ile (NM_001198552.2); c.191C>T, p.Thr64Ile (NM_001367854.1); c.1373C>T, p.Thr458Ile (NM_001407044.1); c.1256C>T, p.Thr419Ile (NM_001407047.1); c.1238C>T, p.Thr413Ile (NM_001407048.1); and 6 more; short protein forms T206I, T226I, T413I, T460I, T243I, T419I, T438I, T458I.
Identifiers: ClinVar variation 2939570 (VCV002939570.4), dbSNP rs766697865, ClinGen allele CA064519.

ClinVar aggregate classification (germline): Uncertain significance. Review status: criteria provided, multiple submitters, no conflicts (2 of 4 stars). 2 submissions from 2 submitters: Uncertain significance (2). Last evaluated 2025-11-11.

Conditions:
Frasier syndrome. Identifiers: Orphanet 347, MedGen C0950122, MeSH D052159, MONDO:0007635, OMIM 136680.
Drash syndrome (DDS). Also called: NEPHROPATHY, WILMS TUMOR, AND GENITAL ANOMALIES; WILMS TUMOR AND PSEUDO- OR TRUE HERMAPHRODITISM. Identifiers: Orphanet 220, MedGen C0950121, MONDO:0008682, OMIM 194080.
Wilms tumor 1 (WT1). Also called: Wilms tumor, somatic. Identifiers: Orphanet 654, MedGen CN033288, MONDO:0008679, OMIM 194070.
11p partial monosomy syndrome (WAGR). Also called: CHROMOSOME 11p13 DELETION SYNDROME; WAGR syndrome; WAGR Complex; WAGR Spectrum Disorder. Identifiers: Orphanet 893, MedGen C0206115, MONDO:0008681, OMIM 194072.
Inborn genetic diseases. Identifiers: MedGen C0950123, MeSH D030342.

Allele frequency attached by ClinVar (database versions not stated): ExAC 0.00001.
gnomAD v4.1: 1 of 1,614,126 alleles (0.000062%); highest among the groups gnomAD compares: Non-Finnish European, 0.000085%; no homozygotes.

Submissions (2):

Ambry Genetics
Classification: Uncertain significance for Inborn genetic diseases. Last evaluated: 2025-11-11. Review status: criteria provided, single submitter. Criteria: Ambry Variant Classification Scheme 2023. Collection method: clinical testing. Allele origin: germline.
Comment: The p.T455I variant (also known as c.1364C>T), located in coding exon 9 of the WT1 gene, results from a C to T substitution at nucleotide position 1364. The threonine at codon 455 is replaced by isoleucine, an amino acid with similar properties. This amino acid position is conserved. In addition, this alteration is predicted to be tolerated by in silico analysis. Based on the available evidence, the clinical significance of this variant remains unclear.

Labcorp Genetics (formerly Invitae), Labcorp
Classification: Uncertain significance for Wilms tumor 1; Drash syndrome; 11p partial monosomy syndrome; Frasier syndrome. Last evaluated: 2023-06-23. Review status: criteria provided, single submitter. Criteria: Invitae Variant Classification Sherloc (09022015). Collection method: clinical testing. Allele origin: germline.
Comment: In summary, the available evidence is currently insufficient to determine the role of this variant in disease. Therefore, it has been classified as a Variant of Uncertain Significance. Advanced modeling of protein sequence and biophysical properties (such as structural, functional, and spatial information, amino acid conservation, physicochemical variation, residue mobility, and thermodynamic stability) performed at Invitae indicates that this missense variant is not expected to disrupt WT1 protein function. This variant has not been reported in the literature in individuals affected with WT1-related conditions. This variant is present in population databases (rs766697865, gnomAD 0.0009%). This sequence change replaces threonine, which is neutral and polar, with isoleucine, which is neutral and non-polar, at codon 455 of the WT1 protein (p.Thr455Ile).